The following is an entry in ClinVar:

NM_001079802.2(FKTN):c.319C>G (p.Pro107Ala)

Gene: FKTN (fukutin; plus strand). Cytogenetic location: 9q31.2.
Variant type: single nucleotide variant.
Coding change: c.319C>G on transcript NM_001079802.2 (MANE Select); coding-DNA position 319, C replaced by G.
Protein change: p.Pro107Ala; replaces proline 107 with alanine.
Molecular consequence: missense variant. On other transcripts: 5 prime UTR variant (4), non-coding transcript variant (2).
Genome position (GRCh38, 1-based): chr9:105,601,298, C>G. VCF-style: chr9-105601298-C-G. GRCh37 (hg19) VCF-style: chr9-108363579-C-G.
Other names: c.319C>G (NM_001079802.1); c.319C>G, p.Pro107Ala (NM_001198963.2, NM_001351496.2, NM_001351498.2 and 1 more transcripts); c.250C>G, p.Pro84Ala (NM_001351497.2); c.-196C>G (NM_001351499.2, NM_001351500.2, NM_001351501.2 and 1 more transcripts); short protein forms P107A, P84A.
Identifiers: ClinVar variation 1498251 (VCV001498251.7), dbSNP rs2132707901, ClinGen allele CA374331731.

ClinVar aggregate classification (germline): Uncertain significance. Review status: criteria provided, multiple submitters, no conflicts (2 of 4 stars). 2 submissions from 2 submitters: Uncertain significance (2). Last evaluated 2024-07-31.

Conditions:
Cardiovascular phenotype. Identifiers: MedGen CN230736.
Walker-Warburg congenital muscular dystrophy. Also called: Muscular dystrophy-dystroglycanopathy, type A; Walker-Warburg syndrome. Identifiers: Orphanet 899, MedGen C0265221, MONDO:0000171.

Submissions (2):

Ambry Genetics
Classification: Uncertain significance for Cardiovascular phenotype. Last evaluated: 2024-07-31. Review status: criteria provided, single submitter. Criteria: Ambry Variant Classification Scheme 2023. Collection method: clinical testing. Allele origin: germline.
Comment: The p.P107A variant (also known as c.319C>G), located in coding exon 3 of the FKTN gene, results from a C to G substitution at nucleotide position 319. The proline at codon 107 is replaced by alanine, an amino acid with highly similar properties. This amino acid position is conserved. In addition, this alteration is predicted to be tolerated by in silico analysis. Based on the available evidence, the clinical significance of this variant remains unclear.

Labcorp Genetics (formerly Invitae), Labcorp
Classification: Uncertain significance for Walker-Warburg congenital muscular dystrophy. Last evaluated: 2022-03-03. Review status: criteria provided, single submitter. Criteria: Invitae Variant Classification Sherloc (09022015). Collection method: clinical testing. Allele origin: germline.
Comment: In summary, the available evidence is currently insufficient to determine the role of this variant in disease. Therefore, it has been classified as a Variant of Uncertain Significance. Algorithms developed to predict the effect of missense changes on protein structure and function (SIFT, PolyPhen-2, Align-GVGD) all suggest that this variant is likely to be tolerated. This variant has not been reported in the literature in individuals affected with FKTN-related conditions. This variant is not present in population databases (gnomAD no frequency). This sequence change replaces proline, which is neutral and non-polar, with alanine, which is neutral and non-polar, at codon 107 of the FKTN protein (p.Pro107Ala).